The following is an entry in ClinVar:

ClinVar aggregate classification (germline): Likely benign. Review status: criteria provided, multiple submitters, no conflicts (2 of 4 stars). 4 submissions from 4 submitters: Likely benign (3). 1 of the submissions does not count toward it. Last evaluated 2026-01-13.

Conditions:
Neuronal ceroid lipofuscinosis. Also called: Neuronal Ceroid Lipofuscinoses. Identifiers: Orphanet 216, Orphanet 79263, MedGen C0027877, MONDO:0016295. Disease mechanism: loss of function.
CLN6-related disorder. Also called: CLN6-related condition.
Inborn genetic diseases. Identifiers: MedGen C0950123, MeSH D030342.

Allele frequency attached by ClinVar (database versions not stated): gnomAD 0.00004; TOPMed 0.00007; ESP Exome Variant Server 0.00015.
gnomAD v4.1: 105 of 1,613,584 alleles (0.0065%); highest among the groups gnomAD compares: Non-Finnish European, 0.0086%; no homozygotes.

Submissions (4):

Labcorp Genetics (formerly Invitae), Labcorp
Classification: Likely benign for Neuronal ceroid lipofuscinosis. Last evaluated: 2026-01-13. Review status: criteria provided, single submitter. Criteria: Invitae Variant Classification Sherloc (09022015). Collection method: clinical testing. Allele origin: germline.

Ambry Genetics
Classification: Likely benign for Inborn genetic diseases. Last evaluated: 2025-08-10. Review status: criteria provided, single submitter. Criteria: Ambry Variant Classification Scheme 2023. Collection method: clinical testing. Allele origin: germline.

Blueprint Genetics
Classification: Likely benign. Last evaluated: 2024-10-18. Review status: criteria provided, single submitter. Criteria: ACMG Guidelines, 2015. Collection method: clinical testing. Allele origin: germline.

PreventionGenetics, part of Exact Sciences
Classification: Likely benign for CLN6-related condition. Last evaluated: 2019-04-05. Review status: no assertion criteria provided. Collection method: clinical testing. Allele origin: germline. Not counted in ClinVar's aggregate classification.
Comment: This variant is classified as likely benign based on ACMG/AMP sequence variant interpretation guidelines (Richards et al. 2015 PMID: 25741868, with internal and published modifications).

NM_017882.3(CLN6):c.564C>A (p.Ile188=)

Gene: CLN6 (CLN6 transmembrane ER protein; minus strand). Cytogenetic location: 15q23.
Variant type: single nucleotide variant.
Coding change: c.564C>A on transcript NM_017882.3 (MANE Select); coding-DNA position 564, C replaced by A.
Protein change: p.Ile188=; no amino-acid change (isoleucine 188 retained).
Molecular consequence: synonymous variant.
Genome position (GRCh38, 1-based): chr15:68,209,738, G>T on the plus strand (C>A on the coding strand, the complement: CLN6 is on the minus strand). VCF-style: chr15-68209738-G-T. GRCh37 (hg19) VCF-style: chr15-68502076-G-T.
Identifiers: ClinVar variation 415535 (VCV000415535.16), dbSNP rs371326037, ClinGen allele CA7630534.